The following is an entry in ClinVar:

ClinVar aggregate classification (germline): Likely benign. Review status: criteria provided, multiple submitters, no conflicts (2 of 4 stars). 3 submissions from 3 submitters: Likely benign (2). 1 of the submissions does not count toward it. Last evaluated 2025-11-11.

Conditions:
ADCY3-related disorder. Also called: ADCY3-related condition.

Allele frequency attached by ClinVar (database versions not stated): gnomAD 0.00001; gnomAD exomes 0.00002; ExAC 0.00006.
gnomAD v4.1: 25 of 1,614,022 alleles (0.0015%); highest among the groups gnomAD compares: Admixed American, 0.0083%; no homozygotes.

Submissions (3):

Labcorp Genetics (formerly Invitae), Labcorp
Classification: Likely benign. Last evaluated: 2025-11-11. Review status: criteria provided, single submitter. Criteria: Invitae Variant Classification Sherloc (09022015). Collection method: clinical testing. Allele origin: germline.

Blueprint Genetics
Classification: Likely benign. Last evaluated: 2022-11-14. Review status: criteria provided, single submitter. Criteria: ACMG Guidelines, 2015. Collection method: clinical testing. Allele origin: germline.

PreventionGenetics, part of Exact Sciences
Classification: Likely benign for ADCY3-related condition. Last evaluated: 2021-10-04. Review status: no assertion criteria provided. Collection method: clinical testing. Allele origin: germline. Not counted in ClinVar's aggregate classification.
Comment: This variant is classified as likely benign based on ACMG/AMP sequence variant interpretation guidelines (Richards et al. 2015 PMID: 25741868, with internal and published modifications).

NM_004036.5(ADCY3):c.705C>T (p.Cys235=)

Gene: ADCY3 (adenylate cyclase 3; minus strand). Cytogenetic location: 2p23.3.
Variant type: single nucleotide variant.
Coding change: c.705C>T on transcript NM_004036.5 (MANE Select); coding-DNA position 705, C replaced by T.
Protein change: p.Cys235=; no amino-acid change (cysteine 235 retained).
Molecular consequence: synonymous variant. On other transcripts: 5 prime UTR variant (1).
Genome position (GRCh38, 1-based): chr2:24,872,690, G>A on the plus strand (C>T on the coding strand, the complement: ADCY3 is on the minus strand). VCF-style: chr2-24872690-G-A. GRCh37 (hg19) VCF-style: chr2-25095559-G-A.
Other names: c.705C>T, p.Cys235= (NM_001320613.2, NM_001377128.1, NM_001377129.1 and 2 more transcripts); c.-19C>T (NM_001377131.1).
Identifiers: ClinVar variation 3046696 (VCV003046696.4), dbSNP rs769605240, ClinGen allele CA1554421.